The following is an entry in ClinVar:

ClinVar aggregate classification (germline): Uncertain significance (1 of 4 stars; one submission).

Submission:

Labcorp Genetics (formerly Invitae), Labcorp
Classification: Uncertain significance. Last evaluated: 2026-01-16. Review status: criteria provided, single submitter. Criteria: Invitae Variant Classification Sherloc (09022015). Collection method: clinical testing. Allele origin: germline.
Comment: This sequence change replaces threonine, which is neutral and polar, with isoleucine, which is neutral and non-polar, at codon 1899 of the POLE protein (p.Thr1899Ile). This variant is not present in population databases (gnomAD no frequency). This variant has not been reported in the literature in individuals affected with POLE-related conditions. Invitae Evidence Modeling of protein sequence and biophysical properties (such as structural, functional, and spatial information, amino acid conservation, physicochemical variation, residue mobility, and thermodynamic stability) indicates that this missense variant is not expected to disrupt POLE protein function with a negative predictive value of 80%. In summary, the available evidence is currently insufficient to determine the role of this variant in disease. Therefore, it has been classified as a Variant of Uncertain Significance.

NM_006231.4(POLE):c.5696C>T (p.Thr1899Ile)

Gene: POLE (DNA polymerase epsilon, catalytic subunit; minus strand). Cytogenetic location: 12q24.33.
Variant type: single nucleotide variant.
Coding change: c.5696C>T on transcript NM_006231.4 (MANE Select); coding-DNA position 5696, C replaced by T.
Protein change: p.Thr1899Ile; replaces threonine 1899 with isoleucine.
Molecular consequence: missense variant.
Genome position (GRCh38, 1-based): chr12:132,636,007, G>A on the plus strand (C>T on the coding strand, the complement: POLE is on the minus strand). VCF-style: chr12-132636007-G-A. GRCh37 (hg19) VCF-style: chr12-133212593-G-A.
Other names: short protein forms T1899I.
Identifiers: ClinVar variation 4740521 (VCV004740521.1).